The following is an entry in ClinVar:

ClinVar aggregate classification (germline): Uncertain significance (1 of 4 stars; one submission).

Submission:

Women's Health and Genetics/Laboratory Corporation of America, LabCorp
Classification: Uncertain significance. Last evaluated: 2022-10-02. Review status: criteria provided, single submitter. Criteria: LabCorp Variant Classification Summary - May 2015. Collection method: clinical testing. Allele origin: germline.
Comment: Variant summary: AFF2 c.2725G>A (p.Glu909Lys) results in a conservative amino acid change in the encoded protein sequence. Three of five in-silico tools predict a benign effect of the variant on protein function. The variant was absent in 182882 control chromosomes (gnomAD). The available data on variant occurrences in the general population are insufficient to allow any conclusion about variant significance. To our knowledge, no occurrence of c.2725G>A in individuals affected with Intellectual disability, X-Linked, FRAXE Type and no experimental evidence demonstrating its impact on protein function have been reported. No clinical diagnostic laboratories have submitted clinical-significance assessments for this variant to ClinVar after 2014. Based on the evidence outlined above, the variant was classified as uncertain significance.

NM_002025.4(AFF2):c.2725G>A (p.Glu909Lys)

Gene: AFF2 (ALF transcription elongation factor 2; plus strand). Cytogenetic location: Xq28.
Variant type: single nucleotide variant.
Coding change: c.2725G>A on transcript NM_002025.4 (MANE Select); coding-DNA position 2725, G replaced by A.
Protein change: p.Glu909Lys; replaces glutamic acid 909 with lysine.
Molecular consequence: missense variant.
Genome position (GRCh38, 1-based): chrX:148,962,749, G>A. VCF-style: chrX-148962749-G-A. GRCh37 (hg19) VCF-style: chrX-148044279-G-A.
Other names: c.2626G>A, p.Glu876Lys (NM_001169122.2); c.2695G>A, p.Glu899Lys (NM_001169123.2); c.2620G>A, p.Glu874Lys (NM_001169124.2); c.2608G>A, p.Glu870Lys (NM_001169125.2); c.1648G>A, p.Glu550Lys (NM_001170628.1); short protein forms E550K, E870K, E874K, E876K, E899K, E909K.
Identifiers: ClinVar variation 1723267 (VCV001723267.1), dbSNP rs2521916069, ClinGen allele CA414516479.